The following is an entry in ClinVar:

ClinVar aggregate classification (germline): Uncertain significance (1 of 4 stars; one submission).

Conditions:
Early-infantile DEE. Also called: Ohtahara syndrome; Early infantile epileptic encephalopathy with suppression bursts; Early infantile epileptic encephalopathy. Identifiers: Orphanet 1934, MedGen C0393706, MONDO:0800491.

Allele frequency attached by ClinVar (database versions not stated): TOPMed below 0.00001; ExAC 0.00001; gnomAD 0.00001; ESP Exome Variant Server 0.00008.
gnomAD v4.1: 2 of 1,613,372 alleles (0.00012%); highest among the groups gnomAD compares: Non-Finnish European, 0.00017%; no homozygotes.

Submission:

Labcorp Genetics (formerly Invitae), Labcorp
Classification: Uncertain significance for Early-infantile DEE. Last evaluated: 2020-11-14. Review status: criteria provided, single submitter. Criteria: Invitae Variant Classification Sherloc (09022015). Collection method: clinical testing. Allele origin: germline.
Comment: In summary, the available evidence is currently insufficient to determine the role of this variant in disease. Therefore, it has been classified as a Variant of Uncertain Significance. This sequence change replaces serine with threonine at codon 1946 of the SCN8A protein (p.Ser1946Thr). The serine residue is highly conserved and there is a small physicochemical difference between serine and threonine. This variant is present in population databases (rs376076659, ExAC 0.002%). This variant has not been reported in the literature in individuals with SCN8A-related conditions. Algorithms developed to predict the effect of missense changes on protein structure and function are either unavailable or do not agree on the potential impact of this missense change (SIFT: "Deleterious"; PolyPhen-2: "Probably Damaging"; Align-GVGD: "Class C0").

NM_001330260.2(SCN8A):c.5836T>A (p.Ser1946Thr)

Gene: SCN8A (sodium voltage-gated channel alpha subunit 8; plus strand). Cytogenetic location: 12q13.13.
Variant type: single nucleotide variant.
Coding change: c.5836T>A on transcript NM_001330260.2 (MANE Select); coding-DNA position 5836, T replaced by A.
Protein change: p.Ser1946Thr; replaces serine 1946 with threonine.
Molecular consequence: missense variant.
Genome position (GRCh38, 1-based): chr12:51,807,322, T>A. VCF-style: chr12-51807322-T-A. GRCh37 (hg19) VCF-style: chr12-52201106-T-A.
Other names: c.5713T>A, p.Ser1905Thr (NM_001177984.3, NM_001369788.1); c.5836T>A, p.Ser1946Thr (NM_014191.4); short protein forms S1905T, S1946T.
Identifiers: ClinVar variation 1010042 (VCV001010042.9), dbSNP rs376076659, ClinGen allele CA6571961.